The following is an entry in ClinVar:

NM_001290043.2(TAP2):c.117del (p.Trp39fs)

Gene: TAP2 (transporter 2, ATP binding cassette subfamily B member; minus strand). Cytogenetic location: 6p21.32.
Variant type: Deletion.
Coding change: c.117del on transcript NM_001290043.2 (MANE Select); coding-DNA position 117, one base deleted (G; older notation c.117delG).
Protein change: p.Trp39fs; shifts the reading frame from tryptophan 39.
Molecular consequence: frameshift variant.
Genome position (GRCh38, 1-based): chr6:32,838,117, C deleted on the plus strand (G on the coding strand, the reverse complement: TAP2 is on the minus strand); the first of 2 consecutive C bases (chr6:32,838,117-32,838,118); deleting either gives the same sequence. VCF-style (leftmost placement, unchanged base first): chr6-32838116-GC-G. GRCh37 (hg19) VCF-style: chr6-32805893-GC-G.
Other names: c.117del, p.Trp39fs (NM_000544.3, NM_018833.3); short protein forms W39fs.
Identifiers: ClinVar variation 2833232 (VCV002833232.3), dbSNP rs748019972, ClinGen allele CA3746222.

ClinVar aggregate classification (germline): Pathogenic (1 of 4 stars; one submission).

Conditions:
MHC class I deficiency. Identifiers: Orphanet 34592, MedGen C6024714, MONDO:0011476.

Submission:

Labcorp Genetics (formerly Invitae), Labcorp
Classification: Pathogenic for MHC class I deficiency 1. Last evaluated: 2023-01-31. Review status: criteria provided, single submitter. Criteria: Invitae Variant Classification Sherloc (09022015). Collection method: clinical testing. Allele origin: germline.
Comment: For these reasons, this variant has been classified as Pathogenic. This variant has not been reported in the literature in individuals affected with TAP2-related conditions. This variant is present in population databases (rs748019972, gnomAD 0.0009%). This sequence change creates a premature translational stop signal (p.Trp39Cysfs*15) in the TAP2 gene. It is expected to result in an absent or disrupted protein product. Loss-of-function variants in TAP2 are known to be pathogenic (PMID: 7517574, 11529920, 12067308, 23662797).

Literature cited by the submitters: PubMed 7517574; PubMed 11529920; PubMed 12067308; PubMed 23662797.